The following is an entry in ClinVar:

NM_003396.3(WNT9B):c.627G>A (p.Thr209=)

Genes: LRRC37A2 (leucine rich repeat containing 37 member A2), WNT9B (Wnt family member 9B; plus strand). Cytogenetic location: 17q21.32.
Variant type: single nucleotide variant.
Coding change: c.627G>A on transcript NM_003396.3 (MANE Select); coding-DNA position 627, G replaced by A.
Protein change: p.Thr209=; no amino-acid change (threonine 209 retained).
Molecular consequence: synonymous variant.
Genome position (GRCh38, 1-based): chr17:46,876,271, G>A. VCF-style: chr17-46876271-G-A. GRCh37 (hg19) VCF-style: chr17-44953637-G-A.
Other names: c.627G>A, p.Thr209= (NM_001320458.2).
Identifiers: ClinVar variation 784358 (VCV000784358.13), dbSNP rs62071993, ClinGen allele CA8620967.

ClinVar aggregate classification (germline): Benign/Likely benign. Review status: criteria provided, multiple submitters, no conflicts (2 of 4 stars). 2 submissions from 2 submitters: Benign (1); Likely benign (1). Last evaluated 2026-02-01.

Allele frequency attached by ClinVar (database versions not stated): 1000 Genomes Project 30x 0.00156; 1000 Genomes Project 0.00160; gnomAD 0.00323 and 0.00329; gnomAD exomes 0.00335; TOPMed 0.00360; ESP Exome Variant Server 0.00423.
gnomAD v4.1: 6,962 of 1,612,874 alleles (0.43%); highest among the groups gnomAD compares: Non-Finnish European, 0.52%; 21 homozygotes.

Submissions (2):

CeGaT Center for Human Genetics Tuebingen
Classification: Likely benign. Last evaluated: 2026-02-01. Review status: criteria provided, single submitter. Criteria: CeGaT Center For Human Genetics Tuebingen Variant Classification Criteria Version 2. Collection method: clinical testing. Allele origin: germline. Affected: yes. Observed: 1 variant allele.
Comment: WNT9B: BP4, BP7, BS2

Labcorp Genetics (formerly Invitae), Labcorp
Classification: Benign. Last evaluated: 2025-10-11. Review status: criteria provided, single submitter. Criteria: Invitae Variant Classification Sherloc (09022015). Collection method: clinical testing. Allele origin: germline.